The following is an entry in ClinVar:

ClinVar aggregate classification (germline): Likely benign. Review status: criteria provided, single submitter (1 of 4 stars). 2 submissions from 2 submitters: Likely benign (1). 1 of the submissions does not count toward it. Last evaluated 2025-12-24.

Conditions:
ZCCHC8-related disorder. Also called: ZCCHC8-related condition.

Allele frequency attached by ClinVar (database versions not stated): gnomAD 0.00007; ExAC 0.00012; gnomAD exomes 0.00015.

Submissions (2):

Labcorp Genetics (formerly Invitae), Labcorp
Classification: Likely benign. Last evaluated: 2025-12-24. Review status: criteria provided, single submitter. Criteria: Invitae Variant Classification Sherloc (09022015). Collection method: clinical testing. Allele origin: germline.

PreventionGenetics, part of Exact Sciences
Classification: Likely benign for ZCCHC8-related condition. Last evaluated: 2024-01-30. Review status: no assertion criteria provided. Collection method: clinical testing. Allele origin: germline. Not counted in ClinVar's aggregate classification.
Comment: This variant is classified as likely benign based on ACMG/AMP sequence variant interpretation guidelines (Richards et al. 2015 PMID: 25741868, with internal and published modifications).

NM_017612.5(ZCCHC8):c.1847C>T (p.Pro616Leu)

Gene: ZCCHC8 (zinc finger CCHC-type containing 8; minus strand). Cytogenetic location: 12q24.31.
Variant type: single nucleotide variant.
Coding change: c.1847C>T on transcript NM_017612.5 (MANE Select); coding-DNA position 1847, C replaced by T.
Protein change: p.Pro616Leu; replaces proline 616 with leucine.
Molecular consequence: missense variant.
Genome position (GRCh38, 1-based): chr12:122,473,774, G>A on the plus strand (C>T on the coding strand, the complement: ZCCHC8 is on the minus strand). VCF-style: chr12-122473774-G-A. GRCh37 (hg19) VCF-style: chr12-122958321-G-A.
Other names: c.1847C>T (NM_017612.4); c.1616C>T, p.Pro539Leu (NM_001350935.2); c.1550C>T, p.Pro517Leu (NM_001350936.2); c.1133C>T, p.Pro378Leu (NM_001350937.2, NM_001350938.2); short protein forms P378L, P517L, P539L, P616L.
Identifiers: ClinVar variation 1350860 (VCV001350860.8), dbSNP rs748027224, ClinGen allele CA6846083.